The following is an entry in ClinVar:

NM_002880.4(RAF1):c.908C>T (p.Thr303Ile)

Gene: RAF1 (Raf-1 proto-oncogene, serine/threonine kinase; minus strand). Cytogenetic location: 3p25.2.
Variant type: single nucleotide variant.
Coding change: c.908C>T on transcript NM_002880.4 (MANE Select); coding-DNA position 908, C replaced by T.
Protein change: p.Thr303Ile; replaces threonine 303 with isoleucine.
Molecular consequence: missense variant. On other transcripts: non-coding transcript variant (3).
Genome position (GRCh38, 1-based): chr3:12,600,234, G>A on the plus strand (C>T on the coding strand, the complement: RAF1 is on the minus strand). VCF-style: chr3-12600234-G-A. GRCh37 (hg19) VCF-style: chr3-12641733-G-A.
Other names: c.968C>T, p.Thr323Ile (NM_001354689.3); c.908C>T, p.Thr303Ile (NM_001354690.3); c.665C>T, p.Thr222Ile (NM_001354691.3, NM_001354692.3); c.809C>T, p.Thr270Ile (NM_001354693.3); c.725C>T, p.Thr242Ile (NM_001354694.3); c.566C>T, p.Thr189Ile (NM_001354695.3); short protein forms T189I, T242I, T323I, T222I, T270I, T303I.
Identifiers: ClinVar variation 2173408 (VCV002173408.6), dbSNP rs1575565055, ClinGen allele CA351509134.

ClinVar aggregate classification (germline): Uncertain significance. Review status: criteria provided, multiple submitters, no conflicts (2 of 4 stars). 2 submissions from 2 submitters: Uncertain significance (2). Last evaluated 2025-10-21.

Conditions:
Cardiovascular phenotype. Identifiers: MedGen CN230736.
RASopathy. Also called: rasopathies; Noonan spectrum disorder. Identifiers: Orphanet 536391, MedGen C5555857, MONDO:0021060.

Submissions (2):

Ambry Genetics
Classification: Uncertain significance for Cardiovascular phenotype. Last evaluated: 2025-10-21. Review status: criteria provided, single submitter. Criteria: Ambry Variant Classification Scheme 2023. Collection method: clinical testing. Allele origin: germline.

Labcorp Genetics (formerly Invitae), Labcorp
Classification: Uncertain significance for RASopathy. Last evaluated: 2025-09-03. Review status: criteria provided, single submitter. Criteria: Invitae Variant Classification Sherloc (09022015). Collection method: clinical testing. Allele origin: germline.
Comment: This sequence change replaces threonine, which is neutral and polar, with isoleucine, which is neutral and non-polar, at codon 303 of the RAF1 protein (p.Thr303Ile). This variant is not present in population databases (gnomAD no frequency). This variant has not been reported in the literature in individuals affected with RAF1-related conditions. ClinVar contains an entry for this variant (Variation ID: 2173408). Invitae Evidence Modeling incorporating data from in vitro experimental studies (internal data) did not meet the statistical confidence thresholds required to predict the impact of this variant on RAF1 function. In summary, the available evidence is currently insufficient to determine the role of this variant in disease. Therefore, it has been classified as a Variant of Uncertain Significance.